The following is an entry in ClinVar:

NM_004655.4(AXIN2):c.1683T>C (p.Ala561=)

Gene: AXIN2 (axin 2; minus strand). Cytogenetic location: 17q24.1.
Variant type: single nucleotide variant.
Coding change: c.1683T>C on transcript NM_004655.4 (MANE Select); coding-DNA position 1683, T replaced by C.
Protein change: p.Ala561=; no amino-acid change (alanine 561 retained).
Molecular consequence: synonymous variant.
Genome position (GRCh38, 1-based): chr17:65,537,353, A>G on the plus strand (T>C on the coding strand, the complement: AXIN2 is on the minus strand). VCF-style: chr17-65537353-A-G. GRCh37 (hg19) VCF-style: chr17-63533471-A-G.
Other names: c.1683T>C, p.Ala561= (NM_001363813.1).
Identifiers: ClinVar variation 3379019 (VCV003379019.2).

ClinVar aggregate classification (germline): Benign/Likely benign. Review status: criteria provided, multiple submitters, no conflicts (2 of 4 stars). 2 submissions from 2 submitters: Benign (1); Likely benign (1). Last evaluated 2024-07-05.

Conditions:
Oligodontia-cancer predisposition syndrome. Also called: TOOTH AGENESIS-COLORECTAL CANCER SYNDROME. Identifiers: Orphanet 300576, MedGen C1837750, MONDO:0012075, OMIM 608615. Disease mechanism: loss of function.
Hereditary cancer-predisposing syndrome. Also called: Neoplastic Syndromes, Hereditary; Tumor predisposition; Hereditary Cancer Syndrome; Hereditary neoplastic syndrome. Identifiers: Orphanet 140162, MedGen C0027672, MeSH D009386, MONDO:0015356.

Submissions (2):

Myriad Genetics, Inc.
Classification: Benign for Oligodontia-cancer predisposition syndrome. Last evaluated: 2024-07-05. Review status: criteria provided, single submitter. Criteria: Myriad Autosomal Dominant, Autosomal Recessive and X-Linked Classification Criteria (2023). Collection method: clinical testing. Allele origin: unknown.
Comment: This variant is considered benign. This variant is a silent/synonymous amino acid change and it is not expected to impact splicing.

Ambry Genetics
Classification: Likely benign for Hereditary cancer-predisposing syndrome. Last evaluated: 2024-06-29. Review status: criteria provided, single submitter. Criteria: Ambry Variant Classification Scheme 2023. Collection method: clinical testing. Allele origin: germline.